The following is an entry in ClinVar:

ClinVar aggregate classification (germline): Pathogenic (1 of 4 stars; one submission).

Conditions:
Charcot-Marie-Tooth disease type 2. Also called: Charcot-Marie-Tooth type 2. Identifiers: Orphanet 64746, MedGen C0270914, MONDO:0018993.

Submission:

Labcorp Genetics (formerly Invitae), Labcorp
Classification: Pathogenic for Charcot-Marie-Tooth disease type 2. Last evaluated: 2021-11-24. Review status: criteria provided, single submitter. Criteria: Invitae Variant Classification Sherloc (09022015). Collection method: clinical testing. Allele origin: germline.
Comment: Retrotransposon insertions including LINE1 (L1), Alu, and SVA (SINE-VNTR-Alu) have been reported to be disease-causing through disruption of either a coding region or splice site (PMID: 19763152, 20307669, 22406018) and loss-of-function variants in BSCL2 are known to be pathogenic (PMID: 11479539, 23564749). This sequence change inserts a large fragment of DNA, likely a transposable element, in exon 4 of the BSCL2 gene (c.375_376ins?), causing a frameshift at codon 125 (p.Met125fs). The exact size and sequence of the insertion cannot be determined by the current assay. However, the insertion is expected to result in an absent or disrupted protein product. This variant is not present in population databases (gnomAD no frequency). This variant has not been reported in the literature in individuals affected with BSCL2-related conditions. Algorithms developed to predict the effect of sequence changes on RNA splicing suggest that this variant may create or strengthen a splice site. For these reasons, this variant has been classified as Pathogenic.

Literature cited by the submitters: PubMed 19763152; PubMed 20307669; PubMed 22406018; PubMed 11479539; PubMed 23564749.

NM_001122955.4(BSCL2):c.567_568insGGCATGGACCCCAGTAACACCACCTAAATAGCAGCCCTAATCATCGCCAATTCTTCTCGTTCGGGAGGTGAGGTTGTCGACTGCAGAGAGTCGATCACGGNNNNNNNNNNAAAAAAAAAAAAAAAAAAAAAAGATTTGGGCATG (p.Phe190delinsGlyMetAspProSerAsnThrThrTer)

Genes: HNRNPUL2-BSCL2 (HNRNPUL2-BSCL2 readthrough (NMD candidate); minus strand), BSCL2 (BSCL2 lipid droplet biogenesis associated, seipin; minus strand). Cytogenetic location: 11q12.3.
Variant type: Insertion.
Coding change: c.567_568insGGCATGGACCCCAGTAACACCACCTAAATAGCAGCCCTAATCATCGCCAATTCTTCTCGTTCGGGAGGTGAGGTTGTCGACTGCAGAGAGTCGATCACGGNNNNNNNNNNAAAAAAAAAAAAAAAAAAAAAAGATTTGGGCATG on transcript NM_001122955.4 (MANE Select); coding-DNA positions 567 to 568, GGCATGGACCCCAGTAACACCACCTAAATAGCAGCCCTAATCATCGCCAATTCTTCTCGTTCGGGAGGTGAGGTTGTCGACTGCAGAGAGTCGATCACGGNNNNNNNNNNAAAAAAAAAAAAAAAAAAAAAAGATTTGGGCATG inserted.
Protein change: p.Phe190delinsGlyMetAspProSerAsnThrThrTer.
Molecular consequence: nonsense. On other transcripts: non-coding transcript variant (1).
Genome position: GRCh38: chr11:62,694,644-62,694,645. GRCh37 (hg19): chr11:62,462,116-62,462,117.
Other names: c.375_376insGGCATGGACCCCAGTAACACCACCTAAATAGCAGCCCTAATCATCGCCAATTCTTCTCGTTCGGGAGGTGAGGTTGTCGACTGCAGAGAGTCGATCACGGNNNNNNNNNNAAAAAAAAAAAAAAAAAAAAAAGATTTGGGCATG, p.Phe126delinsGlyMetAspProSerAsnThrThrTer (NM_001130702.2, NM_032667.6); c.567_568insGGCATGGACCCCAGTAACACCACCTAAATAGCAGCCCTAATCATCGCCAATTCTTCTCGTTCGGGAGGTGAGGTTGTCGACTGCAGAGAGTCGATCACGGNNNNNNNNNNAAAAAAAAAAAAAAAAAAAAAAGATTTGGGCATG, p.Phe190delinsGlyMetAspProSerAsnThrThrTer (NM_001386027.1, NM_001386028.1).
Identifiers: ClinVar variation 2135166 (VCV002135166.4), dbSNP rs2539154728.